The following is an entry in ClinVar:

ClinVar aggregate classification (germline): Likely benign. Review status: criteria provided, multiple submitters, no conflicts (2 of 4 stars). 3 submissions from 3 submitters: Likely benign (2). 1 of the submissions does not count toward it. Last evaluated 2026-05-01.

Conditions:
SOX4-related disorder. Also called: SOX4-related condition.

Allele frequency attached by ClinVar (database versions not stated): gnomAD exomes 0.00016 and 0.00170; gnomAD 0.00027 and 0.00029; TOPMed 0.00071; ExAC 0.00214.

Submissions (3):

CeGaT Center for Human Genetics Tuebingen
Classification: Likely benign. Last evaluated: 2026-05-01. Review status: criteria provided, single submitter. Criteria: CeGaT Center For Human Genetics Tuebingen Variant Classification Criteria Version 2. Collection method: clinical testing. Allele origin: germline. Affected: yes. Observed: 1 variant allele.
Comment: SOX4: BP4, BP7

Labcorp Genetics (formerly Invitae), Labcorp
Classification: Likely benign. Last evaluated: 2018-04-17. Review status: criteria provided, single submitter. Criteria: Invitae Variant Classification Sherloc (09022015). Collection method: clinical testing. Allele origin: germline.

PreventionGenetics, part of Exact Sciences
Classification: Benign for SOX4-related condition. Last evaluated: 2020-01-24. Review status: no assertion criteria provided. Collection method: clinical testing. Allele origin: germline. Not counted in ClinVar's aggregate classification.
Comment: This variant is classified as benign based on ACMG/AMP sequence variant interpretation guidelines (Richards et al. 2015 PMID: 25741868, with internal and published modifications).

NM_003107.3(SOX4):c.486C>T (p.Gly162=)

Gene: SOX4 (SRY-box transcription factor 4; plus strand). Cytogenetic location: 6p22.3.
Variant type: single nucleotide variant.
Coding change: c.486C>T on transcript NM_003107.3 (MANE Select); coding-DNA position 486, C replaced by T.
Protein change: p.Gly162=; no amino-acid change (glycine 162 retained).
Molecular consequence: synonymous variant.
Genome position (GRCh38, 1-based): chr6:21,595,020, C>T. VCF-style: chr6-21595020-C-T. GRCh37 (hg19) VCF-style: chr6-21595251-C-T.
Identifiers: ClinVar variation 712534 (VCV000712534.7), dbSNP rs749738560, ClinGen allele CA3653600.